The following is an entry in ClinVar:

NM_001130021.3(ATP6V0A1):c.2320G>A (p.Val774Met)

Gene: ATP6V0A1 (ATPase H+ transporting V0 subunit a1; plus strand). Cytogenetic location: 17q21.2.
Variant type: single nucleotide variant.
Coding change: c.2320G>A on transcript NM_001130021.3 (MANE Select); coding-DNA position 2320, G replaced by A.
Protein change: p.Val774Met; replaces valine 774 with methionine.
Molecular consequence: missense variant. On other transcripts: intron variant (7).
Genome position (GRCh38, 1-based): chr17:42,514,360, G>A. VCF-style: chr17-42514360-G-A. GRCh37 (hg19) VCF-style: chr17-40666378-G-A.
Other names: c.2110G>A, p.Val704Met (NM_001378545.1); c.2107G>A, p.Val703Met (NM_001378546.1); c.2089G>A, p.Val697Met (NM_001378547.1); c.2074G>A, p.Val692Met (NM_001378548.1); c.2140G>A, p.Val714Met (NM_001378549.1); c.2194G>A, p.Val732Met (NM_001378550.1, NM_001378537.1); c.2425G>A, p.Val809Met (NM_001378551.1); c.2143G>A, p.Val715Met (NM_001378553.1, NM_001378543.1); and 20 more; short protein forms V697M, V703M, V725M, V731M, V738M, V840M, V714M, V732M.
Identifiers: ClinVar variation 2380995 (VCV002380995.6), dbSNP rs141898946, ClinGen allele CA8576616.

ClinVar aggregate classification (germline): Uncertain significance. Review status: criteria provided, multiple submitters, no conflicts (2 of 4 stars). 2 submissions from 2 submitters: Uncertain significance (2). Last evaluated 2026-03-01.

Conditions:
Inborn genetic diseases. Identifiers: MedGen C0950123, MeSH D030342.

Allele frequency attached by ClinVar (database versions not stated): ExAC 0.00030; gnomAD 0.00037; ESP Exome Variant Server 0.00038; TOPMed 0.00039; gnomAD exomes 0.00041.
gnomAD v4.1: 669 of 1,613,726 alleles (0.041%); highest among the groups gnomAD compares: Non-Finnish European, 0.052%; no homozygotes.

Submissions (2):

CeGaT Center for Human Genetics Tuebingen
Classification: Uncertain significance. Last evaluated: 2026-03-01. Review status: criteria provided, single submitter. Criteria: CeGaT Center For Human Genetics Tuebingen Variant Classification Criteria Version 2. Collection method: clinical testing. Allele origin: germline. Affected: yes. Observed: 1 variant allele.
Comment: ATP6V0A1: PM2, BP4

Ambry Genetics
Classification: Uncertain significance for Inborn genetic diseases. Last evaluated: 2022-11-01. Review status: criteria provided, single submitter. Criteria: Ambry Variant Classification Scheme 2023. Collection method: clinical testing. Allele origin: germline.